The following is an entry in ClinVar:

ClinVar aggregate classification (germline): Conflicting classifications of pathogenicity. Review status: criteria provided, conflicting classifications (1 of 4 stars). 7 submissions from 7 submitters: Likely pathogenic (2); Uncertain significance (4); Likely benign (1). Last evaluated 2026-01-26.

Conditions:
Inborn genetic diseases. Identifiers: MedGen C0950123, MeSH D030342.
PRF1-related disorder. Also called: PRF1-related condition.
Familial hemophagocytic lymphohistiocytosis 2 (FHL2). Also called: PRF1-Related Familial Hemophagocytic Lymphohistiocytosis (PRF1-fHLH). Identifiers: Orphanet 540, MedGen C1863727, MONDO:0011337, OMIM 603553.
Aplastic anemia. Identifiers: Orphanet 182040, Orphanet 88, MedGen C0002874, MONDO:0015909, OMIM 609135, HP:0001915.

Allele frequency attached by ClinVar (database versions not stated): gnomAD exomes 0.00010 and 0.00017; gnomAD 0.00011 and 0.00009; ExAC 0.00022; 1000 Genomes Project 0.00040; 1000 Genomes Project 30x 0.00047; TOPMed 0.00007.
gnomAD v4.1: 157 of 1,612,648 alleles (0.0097%); highest among the groups gnomAD compares: East Asian, 0.21%; no homozygotes.

Submissions (7):

Labcorp Genetics (formerly Invitae), Labcorp
Classification: Likely benign for Familial hemophagocytic lymphohistiocytosis 2. Last evaluated: 2026-01-26. Review status: criteria provided, single submitter. Criteria: Invitae Variant Classification Sherloc (09022015). Collection method: clinical testing. Allele origin: germline.

PreventionGenetics, part of Exact Sciences
Classification: Likely pathogenic for PRF1-related condition. Last evaluated: 2025-12-04. Review status: criteria provided, single submitter. Criteria: ACMG Guidelines, 2015. Collection method: clinical testing. Allele origin: germline.
Comment: The PRF1 c.1153C>T variant is predicted to result in the amino acid substitution p.Arg385Trp. This variant has been reported in the compound heterozygous state in patients affected with hemophagocytic lymphohistiocytosis (Ono et al. 2018. PubMed ID: 29777376; Tsubata. 2024. PubMed ID: 37750299). Consistent with this, perforin expression in NK cells obtained from affected patients was decreased compared to healthy controls. Additionally, this variant has been reported in patients affected with lymphoma (Ding et al. 2013. PubMed ID: 25215106), Epstein-Barr Virus-associated T/NK-cell lymphoproliferative disease (Table S2 in Guan et al. 2021. PubMed ID: 34170459), chronic inflammatory demyelinating polyradiculoneuropathy (CIDP) (Buttini et al. 2015. PubMed ID: 25354579; Hu et al. 2023. PubMed ID: 38149249), and familial Mediterranean fever (Umar. 2020. PubMed ID: 32853466). This variant is reported in 0.19% of alleles in individuals of East Asian descent in gnomAD. Based on the available evidence, we classify this variant as likely pathogenic for autosomal recessive PRF1-related disorders.

Dasa
Classification: Uncertain significance. Last evaluated: 2025-08-05. Review status: criteria provided, single submitter. Criteria: DASA Assertion Criteria. Collection method: clinical testing. Allele origin: germline.
Comment: NM_001083116.3(PRF1):c.1153C>T (p.Arg385Trp) is a missense variant that results in the substitution of arginine with tryptophan. This variant has been observed in affected individuals with PRF1-related disorders. Also, this variant is rare in population databases. The currently available literature and clinical evidence are not sufficient to establish a definitive association between this variant and the reported condition. Therefore, this variant is classified as a variant of uncertain significance.

Baylor Genetics
Classification: Likely pathogenic for Aplastic anemia. Last evaluated: 2024-03-28. Review status: criteria provided, single submitter. Criteria: ACMG Guidelines, 2015. Collection method: clinical testing. Allele origin: unknown.

Ambry Genetics
Classification: Uncertain significance for Inborn genetic diseases. Last evaluated: 2024-02-09. Review status: criteria provided, single submitter. Criteria: Ambry Variant Classification Scheme 2023. Collection method: clinical testing. Allele origin: germline.
Comment: The c.1153C>T (p.R385W) alteration is located in exon 3 (coding exon 2) of the PRF1 gene. This alteration results from a C to T substitution at nucleotide position 1153, causing the arginine (R) at amino acid position 385 to be replaced by a tryptophan (W). Based on data from gnomAD, the T allele has an overall frequency of 0.017% (47/277224) total alleles studied. The highest observed frequency was 0.192% (38/19780) of East Asian alleles. This amino acid position is poorly conserved in available vertebrate species. This alteration is predicted to be tolerated by in silico analysis. Based on insufficient or conflicting evidence, the clinical significance of this alteration remains unclear.

Revvity Omics, Revvity
Classification: Uncertain significance. Last evaluated: 2021-12-14. Review status: criteria provided, single submitter. Criteria: ACMG Guidelines, 2015. Collection method: clinical testing. Allele origin: germline.

Illumina Laboratory Services, Illumina
Classification: Uncertain significance for Familial hemophagocytic lymphohistiocytosis 2. Last evaluated: 2017-05-25. Review status: criteria provided, single submitter. Criteria: ICSL Variant Classification Criteria 13 December 2019. Collection method: clinical testing. Allele origin: germline.
Comment: This variant was observed as part of a predisposition screen in an ostensibly healthy population. A literature search was performed for the gene, cDNA change, and amino acid change (where applicable). Publications were found based on this search. However, the evidence from the literature, in combination with allele frequency data from public databases where available, was not sufficient to rule this variant in or out of causing disease. Therefore, this variant is classified as a variant of unknown significance.

Literature cited by the submitters: PubMed 29777376 (cited by Ambry Genetics); PubMed 27391055 (cited by Illumina Laboratory Services, Illumina); PubMed 25215106 (cited by Illumina Laboratory Services, Illumina); PubMed 25354579 (cited by Illumina Laboratory Services, Illumina).

NM_001083116.3(PRF1):c.1153C>T (p.Arg385Trp)

Gene: PRF1 (perforin 1; minus strand). Cytogenetic location: 10q22.1.
Variant type: single nucleotide variant.
Coding change: c.1153C>T on transcript NM_001083116.3 (MANE Select); coding-DNA position 1153, C replaced by T.
Protein change: p.Arg385Trp; replaces arginine 385 with tryptophan.
Molecular consequence: missense variant.
Genome position (GRCh38, 1-based): chr10:70,598,568, G>A on the plus strand (C>T on the coding strand, the complement: PRF1 is on the minus strand). VCF-style: chr10-70598568-G-A. GRCh37 (hg19) VCF-style: chr10-72358324-G-A.
Other names: c.1153C>T, p.Arg385Trp (NM_005041.6); short protein forms R385W.
Identifiers: ClinVar variation 536228 (VCV000536228.23), dbSNP rs551046401, ClinGen allele CA5538813.